The following is an entry in ClinVar:

ClinVar aggregate classification (germline): Uncertain significance (1 of 4 stars; one submission).

Conditions:
Familial thoracic aortic aneurysm and aortic dissection (TAAD). Also called: Thoracic aortic aneurysms and dissections. Identifiers: Orphanet 91387, MedGen C4707243, MONDO:0019625.

Submission:

Ambry Genetics
Classification: Uncertain significance for Familial thoracic aortic aneurysm and aortic dissection. Last evaluated: 2024-12-05. Review status: criteria provided, single submitter. Criteria: Ambry Variant Classification Scheme 2023. Collection method: clinical testing. Allele origin: germline.
Comment: The c.-3G>A variant is located in the 5' untranslated region (5&rsquo; UTR) of the SLC2A10 gene. This variant results from a G to A substitution 3 nucleotides upstream from the first translated codon. This nucleotide position is well conserved in available vertebrate species. Based on the available evidence, the clinical significance of this variant remains unclear.

NM_030777.4(SLC2A10):c.-3G>A

Gene: SLC2A10 (solute carrier family 2 member 10; plus strand). Cytogenetic location: 20q13.12.
Variant type: single nucleotide variant.
Coding change: c.-3G>A on transcript NM_030777.4 (MANE Select); 3 bases upstream of the start codon, G replaced by A.
Molecular consequence: 5 prime UTR variant.
Genome position (GRCh38, 1-based): chr20:46,709,734, G>A. VCF-style: chr20-46709734-G-A. GRCh37 (hg19) VCF-style: chr20-45338373-G-A.
Identifiers: ClinVar variation 3443785 (VCV003443785.1).